The following is an entry in ClinVar:

ClinVar aggregate classification (germline): Likely benign (1 of 4 stars; one submission).

Submission:

CeGaT Center for Human Genetics Tuebingen
Classification: Likely benign. Last evaluated: 2024-10-01. Review status: criteria provided, single submitter. Criteria: CeGaT Center For Human Genetics Tuebingen Variant Classification Criteria Version 2. Collection method: clinical testing. Allele origin: germline. Affected: yes. Observed: 1 variant allele.
Comment: ATP13A2: PM2:Supporting, BP4, BP7

NM_022089.4(ATP13A2):c.2007G>A (p.Val669=)

Gene: ATP13A2 (ATPase cation transporting 13A2; minus strand). Cytogenetic location: 1p36.13.
Variant type: single nucleotide variant.
Coding change: c.2007G>A on transcript NM_022089.4 (MANE Select); coding-DNA position 2007, G replaced by A.
Protein change: p.Val669=; no amino-acid change (valine 669 retained).
Molecular consequence: synonymous variant.
Genome position (GRCh38, 1-based): chr1:16,992,128, C>T on the plus strand (G>A on the coding strand, the complement: ATP13A2 is on the minus strand). VCF-style: chr1-16992128-C-T. GRCh37 (hg19) VCF-style: chr1-17318623-C-T.
Other names: c.1992G>A, p.Val664= (NM_001141973.3, NM_001141974.3).
Identifiers: ClinVar variation 3389916 (VCV003389916.14).